The following is an entry in ClinVar:

NM_004369.4(COL6A3):c.5768A>G (p.Tyr1923Cys)

Gene: COL6A3 (collagen type VI alpha 3 chain; minus strand). Cytogenetic location: 2q37.3.
Variant type: single nucleotide variant.
Coding change: c.5768A>G on transcript NM_004369.4 (MANE Select); coding-DNA position 5768, A replaced by G.
Protein change: p.Tyr1923Cys; replaces tyrosine 1923 with cysteine.
Molecular consequence: missense variant.
Genome position (GRCh38, 1-based): chr2:237,365,768, T>C on the plus strand (A>G on the coding strand, the complement: COL6A3 is on the minus strand). VCF-style: chr2-237365768-T-C. GRCh37 (hg19) VCF-style: chr2-238274411-T-C.
Other names: c.3947A>G, p.Tyr1316Cys (NM_057166.5); c.5150A>G, p.Tyr1717Cys (NM_057167.4); short protein forms Y1717C, Y1316C, Y1923C.
Identifiers: ClinVar variation 660830 (VCV000660830.9), dbSNP rs1574987599, ClinGen allele CA351185742.

ClinVar aggregate classification (germline): Uncertain significance (1 of 4 stars; one submission).

Conditions:
Bethlem myopathy 1A. Also called: Bethlem Muscular Dystrophy; Bethlem myopathy 1; MYOPATHY, BENIGN CONGENITAL, WITH CONTRACTURES. Identifiers: Orphanet 610, MedGen CN029274, MONDO:0024530, OMIM 158810.

Submission:

Labcorp Genetics (formerly Invitae), Labcorp
Classification: Uncertain significance for Bethlem myopathy 1A. Last evaluated: 2024-11-04. Review status: criteria provided, single submitter. Criteria: Invitae Variant Classification Sherloc (09022015). Collection method: clinical testing. Allele origin: germline.
Comment: This sequence change replaces tyrosine, which is neutral and polar, with cysteine, which is neutral and slightly polar, at codon 1923 of the COL6A3 protein (p.Tyr1923Cys). This variant is not present in population databases (gnomAD no frequency). This variant has not been reported in the literature in individuals affected with COL6A3-related conditions. ClinVar contains an entry for this variant (Variation ID: 660830). Invitae Evidence Modeling of protein sequence and biophysical properties (such as structural, functional, and spatial information, amino acid conservation, physicochemical variation, residue mobility, and thermodynamic stability) indicates that this missense variant is expected to disrupt COL6A3 protein function with a positive predictive value of 80%. In summary, the available evidence is currently insufficient to determine the role of this variant in disease. Therefore, it has been classified as a Variant of Uncertain Significance.